The following is an entry in ClinVar:

ClinVar aggregate classification (germline): Uncertain significance (1 of 4 stars; one submission).

Conditions:
Gastrointestinal stromal tumor. Also called: Gastrointestinal stromal tumor, somatic; Gastrointestinal stroma tumor. Identifiers: Orphanet 44890, MedGen C0238198, MeSH D046152, MONDO:0011719, OMIM 606764, HP:0100723.

Submission:

Labcorp Genetics (formerly Invitae), Labcorp
Classification: Uncertain significance for Gastrointestinal stromal tumor. Last evaluated: 2024-12-04. Review status: criteria provided, single submitter. Criteria: Invitae Variant Classification Sherloc (09022015). Collection method: clinical testing. Allele origin: germline.
Comment: This sequence change replaces proline, which is neutral and non-polar, with leucine, which is neutral and non-polar, at codon 701 of the PDGFRA protein (p.Pro701Leu). This variant is not present in population databases (gnomAD no frequency). This variant has not been reported in the literature in individuals affected with PDGFRA-related conditions. An algorithm developed to predict the effect of missense changes on protein structure and function (PolyPhen-2) suggests that this variant is likely to be tolerated. In summary, the available evidence is currently insufficient to determine the role of this variant in disease. Therefore, it has been classified as a Variant of Uncertain Significance.

NM_006206.6(PDGFRA):c.2102C>T (p.Pro701Leu)

Gene: PDGFRA (platelet derived growth factor receptor alpha; plus strand). Cytogenetic location: 4q12.
Variant type: single nucleotide variant.
Coding change: c.2102C>T on transcript NM_006206.6 (MANE Select); coding-DNA position 2102, C replaced by T.
Protein change: p.Pro701Leu; replaces proline 701 with leucine.
Molecular consequence: missense variant.
Genome position (GRCh38, 1-based): chr4:54,278,461, C>T. VCF-style: chr4-54278461-C-T. GRCh37 (hg19) VCF-style: chr4-55144628-C-T.
Other names: c.2102C>T, p.Pro701Leu (NM_001347827.2, NM_001347829.2); c.2177C>T, p.Pro726Leu (NM_001347828.2); c.2141C>T, p.Pro714Leu (NM_001347830.2); short protein forms P701L, P714L, P726L.
Identifiers: ClinVar variation 3653570 (VCV003653570.2).